The following is an entry in ClinVar:

NM_001127649.3(PEX26):c.372-1del

Gene: PEX26 (peroxisomal biogenesis factor 26; plus strand). Cytogenetic location: 22q11.21.
Variant type: Deletion.
Coding change: c.372-1del on transcript NM_001127649.3 (MANE Select); the canonical splice acceptor site of the intron before coding-DNA position 372, one base deleted (G; older notation c.372-1delG).
Molecular consequence: splice acceptor variant.
Genome position (GRCh38, 1-based): chr22:18,083,436, G deleted. VCF-style (leftmost placement, unchanged base first): chr22-18083435-AG-A. GRCh37 (hg19) VCF-style: chr22-18566201-AG-A.
Other names: c.372-1del (NM_017929.6, NM_001199319.2).
Identifiers: ClinVar variation 5006436 (VCV005006436.2).

ClinVar aggregate classification (germline): Likely pathogenic (1 of 4 stars; one submission).

Conditions:
Peroxisome biogenesis disorder 7A (Zellweger). Also called: Peroxisome biogenesis disorder 7A. Identifiers: Orphanet 912, MedGen C3888385, MONDO:0013938, OMIM 614872.
Peroxisome biogenesis disorder 7B (PBD7B). Identifiers: Orphanet 44, MedGen C3553951, MONDO:0013939, OMIM 614873.

Submission:

Juno Genomics, Hangzhou Juno Genomics, Inc
Classification: Likely pathogenic for Peroxisome biogenesis disorder 7A (Zellweger); Peroxisome biogenesis disorder 7B. Review status: criteria provided, single submitter. Criteria: ACMG Guidelines, 2015. Collection method: clinical testing. Allele origin: germline.
Comment: Null variant in a gene where loss of function (LOF) is a known mechanism of disease.;Absent from controls (or at extremely low frequency if recessive) in Genome Aggregation Database.